The following is an entry in ClinVar:

NM_001142864.4(PIEZO1):c.5364G>A (p.Val1788=)

Gene: PIEZO1 (piezo type mechanosensitive ion channel component 1 (Er blood group); minus strand). Cytogenetic location: 16q24.3.
Variant type: single nucleotide variant.
Coding change: c.5364G>A on transcript NM_001142864.4 (MANE Select); coding-DNA position 5364, G replaced by A.
Protein change: p.Val1788=; no amino-acid change (valine 1788 retained).
Molecular consequence: synonymous variant.
Genome position (GRCh38, 1-based): chr16:88,721,577, C>T on the plus strand (G>A on the coding strand, the complement: PIEZO1 is on the minus strand). VCF-style: chr16-88721577-C-T. GRCh37 (hg19) VCF-style: chr16-88787985-C-T.
Other names: c.5364G>A (NM_001142864.3).
Identifiers: ClinVar variation 4931832 (VCV004931832.2).

ClinVar aggregate classification (germline): Conflicting classifications of pathogenicity. Review status: criteria provided, conflicting classifications (1 of 4 stars). 2 submissions from 2 submitters: Uncertain significance (1); Likely benign (1). Last evaluated 2025-02-07.

Conditions:
PIEZO1-related disorder. Also called: PIEZO1-related condition; PIEZO1-Related Disorders.

Submissions (2):

PreventionGenetics, part of Exact Sciences
Classification: Uncertain significance for PIEZO1-related condition. Last evaluated: 2025-02-07. Review status: criteria provided, single submitter. Criteria: ACMG Guidelines, 2015. Collection method: clinical testing. Allele origin: germline.
Comment: The PIEZO1 c.5364G>A variant is not predicted to result in an amino acid change (p.=). This variant is predicted to alter splicing based on available splicing prediction programs (SpliceAI, Jaganathan et al. 2019. PubMed ID: 30661751). However, such computer prediction programs are imperfect. To our knowledge, this variant has not been reported in the literature or in a large population database (gnomAD), indicating this variant is rare. At this time, the clinical significance of this variant is uncertain due to the absence of conclusive functional and genetic evidence.

Blueprint Genetics
Classification: Likely benign. Last evaluated: 2024-06-05. Review status: criteria provided, single submitter. Criteria: ACMG Guidelines, 2015. Collection method: clinical testing. Allele origin: germline.